The following is an entry in ClinVar:

ClinVar aggregate classification (germline): Uncertain significance. Review status: criteria provided, multiple submitters, no conflicts (2 of 4 stars). 2 submissions from 2 submitters: Uncertain significance (2). Last evaluated 2026-02-04.

Conditions:
Hereditary cancer-predisposing syndrome. Also called: Neoplastic Syndromes, Hereditary; Hereditary Cancer Syndrome; Hereditary neoplastic syndrome; Tumor predisposition. Identifiers: Orphanet 140162, MedGen C0027672, MeSH D009386, MONDO:0015356.
Mitochondrial complex II deficiency, nuclear type 1. Also called: SUCCINATE CoQ REDUCTASE DEFICIENCY. Identifiers: Orphanet 3208, MedGen C5700310, MONDO:0100294, OMIM 252011.
Pheochromocytoma/paraganglioma syndrome 5. Also called: Paragangliomas 5; SDHA-Related Hereditary Paraganglioma-Pheochromocytoma Syndrome. Identifiers: Orphanet 29072, MedGen C3279992, MONDO:0013602, OMIM 614165.

Submissions (2):

Ambry Genetics
Classification: Uncertain significance for Hereditary cancer-predisposing syndrome. Last evaluated: 2026-02-04. Review status: criteria provided, single submitter. Criteria: Ambry Variant Classification Scheme 2023. Collection method: clinical testing. Allele origin: germline.
Comment: The p.E564G variant (also known as c.1691A>G), located in coding exon 13 of the SDHA gene, results from an A to G substitution at nucleotide position 1691. The glutamic acid at codon 564 is replaced by glycine, an amino acid with similar properties. This amino acid position is conserved. In addition, this alteration is predicted to be deleterious by in silico analysis. Based on the available evidence, the clinical significance of this variant remains unclear.

Labcorp Genetics (formerly Invitae), Labcorp
Classification: Uncertain significance for Pheochromocytoma/paraganglioma syndrome 5; Mitochondrial complex II deficiency, nuclear type 1. Last evaluated: 2021-11-05. Review status: criteria provided, single submitter. Criteria: Invitae Variant Classification Sherloc (09022015). Collection method: clinical testing. Allele origin: germline.
Comment: In summary, the available evidence is currently insufficient to determine the role of this variant in disease. Therefore, it has been classified as a Variant of Uncertain Significance. This sequence change replaces glutamic acid, which is acidic and polar, with glycine, which is neutral and non-polar, at codon 564 of the SDHA protein (p.Glu564Gly). This variant is not present in population databases (gnomAD no frequency). This variant has not been reported in the literature in individuals affected with SDHA-related conditions. Advanced modeling of protein sequence and biophysical properties (such as structural, functional, and spatial information, amino acid conservation, physicochemical variation, residue mobility, and thermodynamic stability) performed at Invitae indicates that this missense variant is expected to disrupt SDHA protein function.

NM_004168.4(SDHA):c.1691A>G (p.Glu564Gly)

Gene: SDHA (succinate dehydrogenase complex flavoprotein subunit A; plus strand). Cytogenetic location: 5p15.33.
Variant type: single nucleotide variant.
Coding change: c.1691A>G on transcript NM_004168.4 (MANE Select); coding-DNA position 1691, A replaced by G.
Protein change: p.Glu564Gly; replaces glutamic acid 564 with glycine.
Molecular consequence: missense variant. On other transcripts: intron variant (1).
Genome position (GRCh38, 1-based): chr5:251,365, A>G. VCF-style: chr5-251365-A-G. GRCh37 (hg19) VCF-style: chr5-251480-A-G.
Other names: c.1547A>G, p.Glu516Gly (NM_001294332.2); c.1552-3028A>G (NM_001330758.2); c.1691A>G (NM_004168.2); short protein forms E516G, E564G.
Identifiers: ClinVar variation 1424593 (VCV001424593.9), dbSNP rs763529675, ClinGen allele CA358999962.